The following is an entry in ClinVar:

ClinVar aggregate classification (germline): Uncertain significance (1 of 4 stars; one submission).

Conditions:
Familial adenomatous polyposis 1 (FAP1). Also called: POLYPOSIS, ADENOMATOUS INTESTINAL; FAMILIAL ADENOMATOUS POLYPOSIS 1, ATTENUATED. Identifiers: MedGen C2713442, MONDO:0021056, OMIM 175100. Disease mechanism: loss of function.

Submission:

Labcorp Genetics (formerly Invitae), Labcorp
Classification: Uncertain significance for Familial adenomatous polyposis 1. Last evaluated: 2021-10-04. Review status: criteria provided, single submitter. Criteria: Invitae Variant Classification Sherloc (09022015). Collection method: clinical testing. Allele origin: germline.
Comment: This sequence change replaces asparagine with tyrosine at codon 1070 of the APC protein (p.Asn1070Tyr). The asparagine residue is weakly conserved and there is a large physicochemical difference between asparagine and tyrosine. This variant is not present in population databases (ExAC no frequency). This variant has not been reported in the literature in individuals affected with APC-related conditions. Algorithms developed to predict the effect of missense changes on protein structure and function are either unavailable or do not agree on the potential impact of this missense change (SIFT: "Deleterious"; PolyPhen-2: "Benign"; Align-GVGD: "Class C15"). Algorithms developed to predict the effect of sequence changes on RNA splicing suggest that this variant may create or strengthen a splice site. In summary, the available evidence is currently insufficient to determine the role of this variant in disease. Therefore, it has been classified as a Variant of Uncertain Significance.

NM_000038.6(APC):c.3208A>T (p.Asn1070Tyr)

Gene: APC (APC regulator of Wnt signaling pathway; plus strand). Cytogenetic location: 5q22.2.
Variant type: single nucleotide variant.
Coding change: c.3208A>T on transcript NM_000038.6 (MANE Select); coding-DNA position 3208, A replaced by T.
Protein change: p.Asn1070Tyr; replaces asparagine 1070 with tyrosine.
Molecular consequence: missense variant.
Genome position (GRCh38, 1-based): chr5:112,838,802, A>T. VCF-style: chr5-112838802-A-T. GRCh37 (hg19) VCF-style: chr5-112174499-A-T.
Other names: c.3208A>T, p.Asn1070Tyr (NM_001127510.3, NM_001354895.2); c.3154A>T, p.Asn1052Tyr (NM_001127511.3); c.3262A>T, p.Asn1088Tyr (NM_001354896.2); c.3238A>T, p.Asn1080Tyr (NM_001354897.2); c.3133A>T, p.Asn1045Tyr (NM_001354898.2); c.3124A>T, p.Asn1042Tyr (NM_001354899.2); c.3085A>T, p.Asn1029Tyr (NM_001354900.2); c.3031A>T, p.Asn1011Tyr (NM_001354901.2); and 5 more; short protein forms N1052Y, N969Y, N979Y, N1045Y, N1088Y, N787Y, N1029Y, N1042Y.
Identifiers: ClinVar variation 1432640 (VCV001432640.3), dbSNP rs2149886905, ClinGen allele CA16028371.